The following is an entry in ClinVar:

NM_004304.5(ALK):c.4574A>C (p.Lys1525Thr)

Gene: ALK (ALK receptor tyrosine kinase; minus strand). Cytogenetic location: 2p23.2.
Variant type: single nucleotide variant.
Coding change: c.4574A>C on transcript NM_004304.5 (MANE Select); coding-DNA position 4574, A replaced by C.
Protein change: p.Lys1525Thr; replaces lysine 1525 with threonine.
Molecular consequence: missense variant.
Genome position (GRCh38, 1-based): chr2:29,193,513, T>G on the plus strand (A>C on the coding strand, the complement: ALK is on the minus strand). VCF-style: chr2-29193513-T-G. GRCh37 (hg19) VCF-style: chr2-29416379-T-G.
Other names: c.1370A>C, p.Lys457Thr (NM_001353765.2); short protein forms K1525T, K457T.
Identifiers: ClinVar variation 4735823 (VCV004735823.1).

ClinVar aggregate classification (germline): Uncertain significance (1 of 4 stars; one submission).

Conditions:
Neuroblastoma, susceptibility to, 3. Also called: ALK-Related Neuroblastic Tumor Susceptibility. Identifiers: Orphanet 635, MedGen C2751681, MONDO:0013083, OMIM 613014.

gnomAD v4.1: 1 of 1,613,770 alleles (0.000062%); highest among the groups gnomAD compares: South Asian, 0.0011%; no homozygotes.

Submission:

Labcorp Genetics (formerly Invitae), Labcorp
Classification: Uncertain significance for Neuroblastoma, susceptibility to, 3. Last evaluated: 2026-01-20. Review status: criteria provided, single submitter. Criteria: Invitae Variant Classification Sherloc (09022015). Collection method: clinical testing. Allele origin: germline.
Comment: This sequence change replaces lysine, which is basic and polar, with threonine, which is neutral and polar, at codon 1525 of the ALK protein (p.Lys1525Thr). This variant is present in population databases (rs780976256, gnomAD 0.003%). This variant has not been reported in the literature in individuals affected with ALK-related conditions. An algorithm developed to predict the effect of missense changes on protein structure and function (PolyPhen-2) suggests that this variant is likely to be tolerated. In summary, the available evidence is currently insufficient to determine the role of this variant in disease. Therefore, it has been classified as a Variant of Uncertain Significance.